The following is an entry in ClinVar:

NM_015509.4(NECAP1):c.257C>T (p.Thr86Ile)

Gene: NECAP1 (NECAP endocytosis associated 1; plus strand). Cytogenetic location: 12p13.31.
Variant type: single nucleotide variant.
Coding change: c.257C>T on transcript NM_015509.4 (MANE Select); coding-DNA position 257, C replaced by T.
Protein change: p.Thr86Ile; replaces threonine 86 with isoleucine.
Molecular consequence: missense variant. On other transcripts: non-coding transcript variant (1).
Genome position (GRCh38, 1-based): chr12:8,090,255, C>T. VCF-style: chr12-8090255-C-T. GRCh37 (hg19) VCF-style: chr12-8242851-C-T.
Other names: short protein forms T86I.
Identifiers: ClinVar variation 4732416 (VCV004732416.1).

ClinVar aggregate classification (germline): Uncertain significance (1 of 4 stars; one submission).

Conditions:
Developmental and epileptic encephalopathy, 21 (DEE21). Also called: Early infantile epileptic encephalopathy 21. Identifiers: Orphanet 442835, MedGen C4014430, MONDO:0014360, OMIM 615833.

Submission:

Labcorp Genetics (formerly Invitae), Labcorp
Classification: Uncertain significance for Developmental and epileptic encephalopathy, 21. Last evaluated: 2025-12-15. Review status: criteria provided, single submitter. Criteria: Invitae Variant Classification Sherloc (09022015). Collection method: clinical testing. Allele origin: germline.
Comment: This sequence change replaces threonine, which is neutral and polar, with isoleucine, which is neutral and non-polar, at codon 86 of the NECAP1 protein (p.Thr86Ile). This variant is not present in population databases (gnomAD no frequency). This variant has not been reported in the literature in individuals affected with NECAP1-related conditions. An algorithm developed to predict the effect of missense changes on protein structure and function (PolyPhen-2) suggests that this variant is likely to be tolerated. In summary, the available evidence is currently insufficient to determine the role of this variant in disease. Therefore, it has been classified as a Variant of Uncertain Significance.